The following is an entry in ClinVar:

ClinVar aggregate classification (germline): Uncertain significance (1 of 4 stars; one submission).

Submission:

Ambry Genetics
Classification: Uncertain significance. Last evaluated: 2023-09-21. Review status: criteria provided, single submitter. Criteria: Ambry Variant Classification Scheme 2023. Collection method: clinical testing. Allele origin: germline.
Comment: The p.A220P variant (also known as c.658G>C), located in coding exon 1 of the TERF2IP gene, results from a G to C substitution at nucleotide position 658. The alanine at codon 220 is replaced by proline, an amino acid with highly similar properties. This amino acid position is conserved. In addition, this alteration is predicted to be tolerated by in silico analysis. Since supporting evidence is limited at this time, the clinical significance of this alteration remains unclear.

NM_018975.4(TERF2IP):c.658G>C (p.Ala220Pro)

Gene: TERF2IP (TERF2 interacting protein; plus strand). Cytogenetic location: 16q23.1.
Variant type: single nucleotide variant.
Coding change: c.658G>C on transcript NM_018975.4 (MANE Select); coding-DNA position 658, G replaced by C.
Protein change: p.Ala220Pro; replaces alanine 220 with proline.
Molecular consequence: missense variant. On other transcripts: non-coding transcript variant (1).
Genome position (GRCh38, 1-based): chr16:75,648,540, G>C. VCF-style: chr16-75648540-G-C. GRCh37 (hg19) VCF-style: chr16-75682438-G-C.
Other names: short protein forms A220P.
Identifiers: ClinVar variation 3227191 (VCV003227191.1), dbSNP rs2082321053, ClinGen allele CA396818385.